The following is an entry in ClinVar:

ClinVar aggregate classification (germline): Uncertain significance (1 of 4 stars; one submission).

Submission:

Labcorp Genetics (formerly Invitae), Labcorp
Classification: Uncertain significance. Last evaluated: 2024-04-07. Review status: criteria provided, single submitter. Criteria: Invitae Variant Classification Sherloc (09022015). Collection method: clinical testing. Allele origin: germline.
Comment: This sequence change falls in intron 3 of the RPL23 gene. It does not directly change the encoded amino acid sequence of the RPL23 protein. It affects a nucleotide within the consensus splice site. This variant is present in population databases (no rsID available, gnomAD 0.007%). This variant has not been reported in the literature in individuals affected with RPL23-related conditions. Variants that disrupt the consensus splice site are a relatively common cause of aberrant splicing (PMID: 17576681, 9536098). Algorithms developed to predict the effect of sequence changes on RNA splicing suggest that this variant is not likely to affect RNA splicing. In summary, the available evidence is currently insufficient to determine the role of this variant in disease. Therefore, it has been classified as a Variant of Uncertain Significance.

Literature cited by the submitters: PubMed 17576681; PubMed 9536098.

NM_000978.4(RPL23):c.227-7_227-3del

Gene: RPL23 (ribosomal protein L23; minus strand). Cytogenetic location: 17q12.
Variant type: Deletion.
Coding change: c.227-7_227-3del on transcript NM_000978.4 (MANE Select); 7 bases into the intron before coding-DNA position 227 through 3 bases into the intron before coding-DNA position 227, 5 bases deleted (CTCTC; older notation c.227-7_227-3delCTCTC).
Molecular consequence: intron variant.
Genome position (GRCh38, 1-based): chr17:38,850,478-38,850,482, GAGAG deleted on the plus strand (CTCTC on the coding strand, the reverse complement: RPL23 is on the minus strand). VCF-style (leftmost placement, unchanged base first): chr17-38850477-TGAGAG-T. GRCh37 (hg19) VCF-style: chr17-37006730-TGAGAG-T.
Identifiers: ClinVar variation 3685519 (VCV003685519.2).